The following is an entry in ClinVar:

ClinVar aggregate classification (germline): Likely pathogenic (1 of 4 stars; one submission).

Conditions:
Tyrosinemia type I (TYRSN1). Also called: Tyrosinemia type 1; Fumarylacetoacetase deficiency; Deficiency of fumarylacetoacetase; FAH DEFICIENCY; HEPATORENAL TYROSINEMIA. Identifiers: Orphanet 882, MedGen C0268490, MONDO:0010161, OMIM 276700. Disease mechanism: loss of function.

Submission:

Myriad Genetics, Inc.
Classification: Likely pathogenic for Tyrosinemia type I. Last evaluated: 2022-02-25. Review status: criteria provided, single submitter. Criteria: Myriad Women's Health Autosomal Recessive and X-Linked Classification Criteria (2021). Collection method: clinical testing. Allele origin: unknown.
Comment: NM_000137.2(FAH):c.244A>T(R82*) is expected to be pathogenic in the context of tyrosinemia type I. This variant is predicted to lead to an abnormal or absent protein product due to the creation of a premature termination codon in FAH, a gene where loss-of-function variants are known to be pathogenic. Please note: this variant was assessed in the context of healthy population screening.

NM_000137.4(FAH):c.244A>T (p.Arg82Ter)

Gene: FAH (fumarylacetoacetate hydrolase; plus strand). Cytogenetic location: 15q25.1.
Variant type: single nucleotide variant.
Coding change: c.244A>T on transcript NM_000137.4 (MANE Select); coding-DNA position 244, A replaced by T.
Protein change: p.Arg82Ter; replaces arginine 82 with a stop codon.
Molecular consequence: nonsense.
Genome position (GRCh38, 1-based): chr15:80,159,807, A>T. VCF-style: chr15-80159807-A-T. GRCh37 (hg19) VCF-style: chr15-80452149-A-T.
Other names: c.244A>T, p.Arg82Ter (NM_001374380.1, NM_001374377.1); short protein forms R82*.
Identifiers: ClinVar variation 1726432 (VCV001726432.2), dbSNP rs2505841612, ClinGen allele CA393618892.
Genomic context (GRCh38, chr15:80,159,807, plus strand): 5'-TGGTCTTAGCCTACACTCAACAGCTTCATGGGCCTGGGTCAGGCTGCCTGGAAGGAGGCG[A>T]GAGTGTTCTTGCAGAACTTGCTGTCTGTGAGCCAAGCCAGGCTCAGAGATGACACCGAAC-3'